The following is an entry in ClinVar:

ClinVar aggregate classification (germline): Benign. Review status: criteria provided, multiple submitters, no conflicts (2 of 4 stars). 4 submissions from 3 submitters: Benign (4). Last evaluated 2018-06-25.

Conditions:
3-Methylglutaconic aciduria type 3 (MGCA3). Also called: OPA3-Related 3-Methylglutaconic Aciduria; Costeff Syndrome; OPA3, AUTOSOMAL RECESSIVE; OPTIC ATROPHY 3, AUTOSOMAL RECESSIVE. Identifiers: Orphanet 67047, MedGen C0574084, MONDO:0009787, OMIM 258501.
Optic atrophy 3 (OPA3). Also called: Optic atrophy, cataract, and neurologic disorder; OPTIC ATROPHY 3, AUTOSOMAL DOMINANT; Optic atrophy 3 with cataract. Identifiers: Orphanet 67036, MedGen C1833809, MONDO:0008133, OMIM 165300.

Allele frequency attached by ClinVar (database versions not stated): gnomAD 0.04481 and 0.04204; TOPMed 0.04761; 1000 Genomes Project 0.05192; 1000 Genomes Project 30x 0.05497.

Submissions (4):

GeneDx
Classification: Benign. Last evaluated: 2018-06-25. Review status: criteria provided, single submitter. Criteria: GeneDx Variant Classification Process June 2021. Collection method: clinical testing. Allele origin: germline. Affected: yes.

Illumina Laboratory Services, Illumina
Classification: Benign for 3-Methylglutaconic aciduria type 3. Last evaluated: 2018-01-13. Review status: criteria provided, single submitter. Criteria: ICSL Variant Classification Criteria 13 December 2019. Collection method: clinical testing. Allele origin: germline.
Comment: This variant was observed in the ICSL laboratory as part of a predisposition screen in an ostensibly healthy population. It had not been previously curated by ICSL or reported in the Human Gene Mutation Database (HGMD: prior to June 1st, 2018), and was therefore a candidate for classification through an automated scoring system. Utilizing variant allele frequency, disease prevalence and penetrance estimates, and inheritance mode, an automated score was calculated to assess if this variant is too frequent to cause the disease. Based on the score and internal cut-off values, a variant classified as benign is not then subjected to further curation. The score for this variant resulted in a classification of benign for this disease.

Illumina Laboratory Services, Illumina
Classification: Benign for Optic atrophy 3. Last evaluated: 2018-01-13. Review status: criteria provided, single submitter. Criteria: ICSL Variant Classification Criteria 13 December 2019. Collection method: clinical testing. Allele origin: germline.
Comment: the same text as in the submission from Illumina Laboratory Services, Illumina above.

Breakthrough Genomics
Classification: Benign. Review status: criteria provided, single submitter. Criteria: ACMG Guidelines, 2015. Collection method: not provided. Allele origin: germline. Inheritance: Autosomal recessive inheritance. Affected: yes.

NM_025136.3(OPA3):c.-86G>A

Genes: OPA3 (outer mitochondrial membrane lipid metabolism regulator OPA3; minus strand), LOC130064709 (ATAC-STARR-seq lymphoblastoid active region 14802; plus strand). Cytogenetic location: 19q13.32.
Variant type: single nucleotide variant.
Coding change: c.-86G>A on transcript NM_025136.3; 86 bases upstream of the start codon, G replaced by A.
Genome position (GRCh38, 1-based): chr19:45,584,850, C>T on the plus strand (G>A on the coding strand, the complement: OPA3 is on the minus strand). VCF-style: chr19-45584850-C-T. GRCh37 (hg19) VCF-style: chr19-46088108-C-T.
Other names: c.-86G>A (NM_025136.2).
Identifiers: ClinVar variation 329688 (VCV000329688.11), dbSNP rs73570932, ClinGen allele CA10652617.